The following is an entry in ClinVar:

NC_000022.11:g.40346158del

Gene: ADSL (adenylosuccinate lyase; plus strand). Cytogenetic location: 22q13.1.
Variant type: Deletion.
Genome position: GRCh38 VCF-style: chr22-40346157-AC-A. GRCh37 (hg19) VCF-style: chr22-40742161-AC-A.
Identifiers: ClinVar variation 1445679 (VCV001445679.3), dbSNP rs528311466, ClinGen allele CA324446645.

ClinVar aggregate classification (germline): Uncertain significance (1 of 4 stars; one submission).

Conditions:
Adenylosuccinate lyase deficiency (ADSLD). Also called: ADSL DEFICIENCY. Identifiers: Orphanet 46, MedGen C0268126, MONDO:0007068, OMIM 103050.

Allele frequency attached by ClinVar (database versions not stated): TOPMed below 0.00001; gnomAD 0.00015; 1000 Genomes Project 0.00080; 1000 Genomes Project 30x 0.00141.

Submission:

Labcorp Genetics (formerly Invitae), Labcorp
Classification: Uncertain significance for Adenylosuccinate lyase deficiency. Last evaluated: 2022-08-10. Review status: criteria provided, single submitter. Criteria: Invitae Variant Classification Sherloc (09022015). Collection method: clinical testing. Allele origin: germline.
Comment: This variant occurs in a non-coding region of the ADSL gene. It does not change the encoded amino acid sequence of the ADSL protein. This variant is present in population databases (rs528311466, gnomAD no frequency). This variant has not been reported in the literature in individuals affected with ADSL-related conditions. Experimental studies and prediction algorithms are not available or were not evaluated, and the functional significance of this variant is currently unknown. In summary, the available evidence is currently insufficient to determine the role of this variant in disease. Therefore, it has been classified as a Variant of Uncertain Significance.